The following is an entry in ClinVar:

ClinVar aggregate classification (germline): Uncertain significance (1 of 4 stars; one submission).

Conditions:
Spondylodysplastic Ehlers-Danlos syndrome. Identifiers: Orphanet 536471, Orphanet 75496, MedGen C5680154, MONDO:0007526.

Submission:

Labcorp Genetics (formerly Invitae), Labcorp
Classification: Uncertain significance for Spondylodysplastic Ehlers-Danlos syndrome. Last evaluated: 2022-01-19. Review status: criteria provided, single submitter. Criteria: Invitae Variant Classification Sherloc (09022015). Collection method: clinical testing. Allele origin: germline.
Comment: In summary, the available evidence is currently insufficient to determine the role of this variant in disease. Therefore, it has been classified as a Variant of Uncertain Significance. Algorithms developed to predict the effect of missense changes on protein structure and function (SIFT, PolyPhen-2, Align-GVGD) all suggest that this variant is likely to be tolerated. This variant has not been reported in the literature in individuals affected with B4GALT7-related conditions. This variant is not present in population databases (gnomAD no frequency). This sequence change replaces tyrosine, which is neutral and polar, with phenylalanine, which is neutral and non-polar, at codon 211 of the B4GALT7 protein (p.Tyr211Phe).

NM_007255.3(B4GALT7):c.632A>T (p.Tyr211Phe)

Gene: B4GALT7 (beta-1,4-galactosyltransferase 7; plus strand). Cytogenetic location: 5q35.3.
Variant type: single nucleotide variant.
Coding change: c.632A>T on transcript NM_007255.3 (MANE Select); coding-DNA position 632, A replaced by T.
Protein change: p.Tyr211Phe; replaces tyrosine 211 with phenylalanine.
Molecular consequence: missense variant.
Genome position (GRCh38, 1-based): chr5:177,607,520, A>T. VCF-style: chr5-177607520-A-T. GRCh37 (hg19) VCF-style: chr5-177034521-A-T.
Other names: short protein forms Y211F.
Identifiers: ClinVar variation 1499495 (VCV001499495.8), dbSNP rs2127513358, ClinGen allele CA362376022.